The following is an entry in ClinVar:

ClinVar aggregate classification (germline): Uncertain significance (1 of 4 stars; one submission).

Conditions:
Cystic fibrosis (CF). Also called: MUCOVISCIDOSIS. Identifiers: Orphanet 586, MedGen C0010674, MONDO:0009061, OMIM 219700. Disease mechanism: loss of function.

Submission:

Ambry Genetics
Classification: Uncertain significance for Cystic fibrosis. Last evaluated: 2024-05-04. Review status: criteria provided, single submitter. Criteria: Ambry Variant Classification Scheme 2023. Collection method: clinical testing. Allele origin: germline.
Comment: The p.F131Y variant (also known as c.392T>A), located in coding exon 4 of the CFTR gene, results from a T to A substitution at nucleotide position 392. The phenylalanine at codon 131 is replaced by tyrosine, an amino acid with highly similar properties. This amino acid position is conserved. In addition, the in silico prediction for this alteration is inconclusive. Based on the available evidence, the clinical significance of this variant remains unclear.

NM_000492.4(CFTR):c.392T>A (p.Phe131Tyr)

Gene: CFTR (CF transmembrane conductance regulator; plus strand). Cytogenetic location: 7q31.2.
Variant type: single nucleotide variant.
Coding change: c.392T>A on transcript NM_000492.4 (MANE Select); coding-DNA position 392, T replaced by A.
Protein change: p.Phe131Tyr; replaces phenylalanine 131 with tyrosine.
Molecular consequence: missense variant.
Genome position (GRCh38, 1-based): chr7:117,531,017, T>A. VCF-style: chr7-117531017-T-A. GRCh37 (hg19) VCF-style: chr7-117171071-T-A.
Other names: short protein forms F131Y.
Identifiers: ClinVar variation 3266662 (VCV003266662.1).